The following is an entry in ClinVar:

ClinVar aggregate classification (germline): Uncertain significance (1 of 4 stars; one submission).

Conditions:
CBL-related disorder. Also called: CBL MUTATION-ASSOCIATED SYNDROME; CBL SYNDROME; NOONAN SYNDROME-LIKE DISORDER WITHOUT JUVENILE MYELOMONOCYTIC LEUKEMIA. Identifiers: Orphanet 363972, MedGen C3150803, MONDO:0013308, OMIM 613563.

Allele frequency attached by ClinVar (database versions not stated): gnomAD exomes below 0.00001.
gnomAD v4.1: 1 of 1,611,000 alleles (0.000062%); highest among the groups gnomAD compares: Non-Finnish European, 0.000085%; no homozygotes.

Submission:

Victorian Clinical Genetics Services, Murdoch Childrens Research Institute
Classification: Uncertain significance for CBL-related disorder. Last evaluated: 2024-11-27. Review status: criteria provided, single submitter. Criteria: ACMG Guidelines, 2015. Collection method: clinical testing. Allele origin: germline. Affected: yes.
Comment: This variant is classified as VUS-3A. Evidence in support of pathogenic classification: Variant is present in gnomAD <0.001 for a dominant condition (v4: 1 heterozygote(s), 0 homozygote(s)); Variant is located in a hotspot region or cluster of pathogenic variants, adjacent to the Prok-RING 4 domain (DECIPHER); Missense variant consistently predicted to be damaging by in silico tool or highly conserved with a major amino acid change. Additional information: Variant is predicted to result in a missense amino acid change from glutamine to lysine; This variant is heterozygous; This gene is associated with autosomal dominant disease; An alternative amino acid change at the same position has been observed in gnomAD (v4) (1 heterozygote(s), 0 homozygote(s)); This variant has no previous evidence of pathogenicity; No published segregation evidence has been identified for this variant; No published functional evidence has been identified for this variant; Another missense variant comparable to the one identified in this case has inconclusive previous evidence for pathogenicity. This alternative change (p.(Gln379His)) has been reported as a VUS (ClinVar); The mechanism of disease for this gene is not clearly established. However, dominant negative is a likely mechanism of disease (PMID: 20619386, 20694012); Variants in this gene are known to have variable expressivity. Variants have been associated with phenotypic heterogeneity and variable expressivity (PMID: 25952305).

Literature cited by the submitters: PubMed 20619386; PubMed 20694012; PubMed 25952305.

NM_005188.4(CBL):c.1135C>A (p.Gln379Lys)

Gene: CBL (Cbl proto-oncogene; plus strand). Cytogenetic location: 11q23.3.
Variant type: single nucleotide variant.
Coding change: c.1135C>A on transcript NM_005188.4 (MANE Select); coding-DNA position 1135, C replaced by A.
Protein change: p.Gln379Lys; replaces glutamine 379 with lysine.
Molecular consequence: missense variant.
Genome position (GRCh38, 1-based): chr11:119,278,205, C>A. VCF-style: chr11-119278205-C-A. GRCh37 (hg19) VCF-style: chr11-119148915-C-A.
Other names: short protein forms Q379K.
Identifiers: ClinVar variation 1698992 (VCV001698992.6), dbSNP rs2135303660, ClinGen allele CA382912445.
Genomic context (GRCh38, chr11:119,278,205, plus strand): 5'-TTTAATTTTTTTTAATCAAAGGAACAATATGAATTATACTGTGAGATGGGCTCCACATTC[C>A]AACTATGTAAAATATGTGCTGAAAATGATAAGGATGTAAAGATTGAGCCCTGTGGACACC-3'
Protein context (NP_005179.2, residues 369-389): ELYCEMGSTF[Gln379Lys]LCKICAENDK